The following is an entry in ClinVar:

ClinVar aggregate classification (germline): Uncertain significance. Review status: criteria provided, multiple submitters, no conflicts (2 of 4 stars). 2 submissions from 2 submitters: Uncertain significance (2). Last evaluated 2026-01-26.

Conditions:
Predisposition to Wilms tumor, CTR9-related.

Allele frequency attached by ClinVar (database versions not stated): 1000 Genomes Project 30x 0.00016; gnomAD exomes 0.00018 and 0.00020; 1000 Genomes Project 0.00020; ESP Exome Variant Server 0.00015; ExAC 0.00021; gnomAD 0.00021 and 0.00023; TOPMed 0.00027.
gnomAD v4.1: 321 of 1,614,232 alleles (0.02%); highest among the groups gnomAD compares: Admixed American, 0.035%; no homozygotes.

Submissions (2):

Labcorp Genetics (formerly Invitae), Labcorp
Classification: Uncertain significance. Last evaluated: 2026-01-26. Review status: criteria provided, single submitter. Criteria: Invitae Variant Classification Sherloc (09022015). Collection method: clinical testing. Allele origin: germline.
Comment: This sequence change replaces arginine, which is basic and polar, with lysine, which is basic and polar, at codon 1095 of the CTR9 protein (p.Arg1095Lys). This variant is present in population databases (rs141434094, gnomAD 0.04%), and has an allele count higher than expected for a pathogenic variant. This variant has not been reported in the literature in individuals affected with CTR9-related conditions. ClinVar contains an entry for this variant (Variation ID: 941909). An algorithm developed to predict the effect of missense changes on protein structure and function (PolyPhen-2) suggests that this variant is likely to be tolerated. In summary, the available evidence is currently insufficient to determine the role of this variant in disease. Therefore, it has been classified as a Variant of Uncertain Significance.

Baylor Genetics
Classification: Uncertain significance for Predisposition to Wilms tumor, CTR9-related. Last evaluated: 2023-09-20. Review status: criteria provided, single submitter. Criteria: ACMG Guidelines, 2015. Collection method: clinical testing. Allele origin: unknown.

NM_014633.5(CTR9):c.3284G>A (p.Arg1095Lys)

Gene: CTR9 (CTR9 component of Paf1/RNA polymerase II complex; plus strand). Cytogenetic location: 11p15.4.
Variant type: single nucleotide variant.
Coding change: c.3284G>A on transcript NM_014633.5 (MANE Select); coding-DNA position 3284, G replaced by A.
Protein change: p.Arg1095Lys; replaces arginine 1095 with lysine.
Molecular consequence: missense variant.
Genome position (GRCh38, 1-based): chr11:10,778,867, G>A. VCF-style: chr11-10778867-G-A. GRCh37 (hg19) VCF-style: chr11-10800414-G-A.
Other names: c.3212G>A, p.Arg1071Lys (NM_001346279.2); short protein forms R1071K, R1095K.
Identifiers: ClinVar variation 941909 (VCV000941909.10), dbSNP rs141434094, ClinGen allele CA5885556.